The following is an entry in ClinVar:

NM_033409.4(SLC52A3):c.901G>A (p.Ala301Thr)

Gene: SLC52A3 (solute carrier family 52 member 3; minus strand). Cytogenetic location: 20p13.
Variant type: single nucleotide variant.
Coding change: c.901G>A on transcript NM_033409.4 (MANE Select); coding-DNA position 901, G replaced by A.
Protein change: p.Ala301Thr; replaces alanine 301 with threonine.
Molecular consequence: missense variant.
Genome position (GRCh38, 1-based): chr20:763,670, C>T on the plus strand (G>A on the coding strand, the complement: SLC52A3 is on the minus strand). VCF-style: chr20-763670-C-T. GRCh37 (hg19) VCF-style: chr20-744314-C-T.
Other names: c.901G>A, p.Ala301Thr (NM_001370085.1, NM_001370086.1); short protein forms A301T.
Identifiers: ClinVar variation 1017171 (VCV001017171.8), dbSNP rs1986566773, ClinGen allele CA407962863.
Genomic context (GRCh38, chr20:763,670, plus strand): 5'-CAGAGGGCAGCATGCCGTTGGTGAGCGCGTTGACGAAGGCCACCAGGGTATAGATGAAGG[C>T]CAGGTGCGCCGGGCAGCAGGGGGCTGCTTTCTCCTCTAGATACCCCTGGCCCTGGCTGCT-3'
Protein context (NP_212134.3, residues 291-311): KAAPCCPAHL[Ala301Thr]FIYTLVAFVN

ClinVar aggregate classification (germline): Uncertain significance (1 of 4 stars; one submission).

Conditions:
Brown-Vialetto-van Laere syndrome 1. Also called: BROWN-VIALETTO-VAN LAERE SYNDROME 1, MILD; BULBAR PALSY, PROGRESSIVE, WITH SENSORINEURAL DEAFNESS; PONTOBULBAR PALSY WITH DEAFNESS. Identifiers: Orphanet 572550, Orphanet 97229, MedGen C0796274, MONDO:0024537, OMIM 211530.

Submission:

Labcorp Genetics (formerly Invitae), Labcorp
Classification: Uncertain significance for Brown-Vialetto-van Laere syndrome 1. Last evaluated: 2020-07-19. Review status: criteria provided, single submitter. Criteria: Invitae Variant Classification Sherloc (09022015). Collection method: clinical testing. Allele origin: germline.
Comment: In summary, the available evidence is currently insufficient to determine the role of this variant in disease. Therefore, it has been classified as a Variant of Uncertain Significance. Algorithms developed to predict the effect of missense changes on protein structure and function output the following: SIFT: "Tolerated"; PolyPhen-2: "Benign"; Align-GVGD: "Class C0". The threonine amino acid residue is found in multiple mammalian species, suggesting that this missense change does not adversely affect protein function. These predictions have not been confirmed by published functional studies and their clinical significance is uncertain. This variant has not been reported in the literature in individuals with SLC52A3-related conditions. This variant is not present in population databases (ExAC no frequency). This sequence change replaces alanine with threonine at codon 301 of the SLC52A3 protein (p.Ala301Thr). The alanine residue is moderately conserved and there is a small physicochemical difference between alanine and threonine.